The following is an entry in ClinVar:

ClinVar aggregate classification (germline): Likely benign. Review status: criteria provided, multiple submitters, no conflicts (2 of 4 stars). 2 submissions from 2 submitters: Likely benign (2). Last evaluated 2026-03-29.

Conditions:
ABCA4-related disorder. Also called: ABCA4-related condition; ABCA4-related disorders. Identifiers: MedGen CN239167.

Allele frequency attached by ClinVar (database versions not stated): gnomAD 0.00001; TOPMed 0.00002.
gnomAD v4.1: 29 of 1,613,908 alleles (0.0018%); highest among the groups gnomAD compares: Admixed American, 0.042%; no homozygotes.

Submissions (2):

PreventionGenetics, part of Exact Sciences
Classification: Likely benign for ABCA4-related condition. Last evaluated: 2026-03-29. Review status: criteria provided, single submitter. Criteria: ACMG Guidelines, 2015. Collection method: clinical testing. Allele origin: germline.
Comment: This variant is classified as likely benign based on ACMG/AMP sequence variant interpretation guidelines (Richards et al. 2015 PMID: 25741868, with internal and published modifications).

Labcorp Genetics (formerly Invitae), Labcorp
Classification: Likely benign. Last evaluated: 2024-09-04. Review status: criteria provided, single submitter. Criteria: Invitae Variant Classification Sherloc (09022015). Collection method: clinical testing. Allele origin: germline.

NM_000350.3(ABCA4):c.1986A>G (p.Ala662=)

Gene: ABCA4 (ATP binding cassette subfamily A member 4; minus strand). Cytogenetic location: 1p22.1.
Variant type: single nucleotide variant.
Coding change: c.1986A>G on transcript NM_000350.3 (MANE Select); coding-DNA position 1986, A replaced by G.
Protein change: p.Ala662=; no amino-acid change (alanine 662 retained).
Molecular consequence: synonymous variant.
Genome position (GRCh38, 1-based): chr1:94,060,711, T>C on the plus strand (A>G on the coding strand, the complement: ABCA4 is on the minus strand). VCF-style: chr1-94060711-T-C. GRCh37 (hg19) VCF-style: chr1-94526267-T-C.
Other names: c.1986A>G (NM_000350.2); c.1986A>G, p.Ala662= (NM_001425324.1).
Identifiers: ClinVar variation 1160574 (VCV001160574.11), dbSNP rs564272715, ClinGen allele CA958371.